The following is an entry in ClinVar:

ClinVar aggregate classification (germline): Uncertain significance (1 of 4 stars; one submission).

Submission:

Ambry Genetics
Classification: Uncertain significance. Last evaluated: 2022-05-20. Review status: criteria provided, single submitter. Criteria: Ambry Variant Classification Scheme 2023. Collection method: clinical testing. Allele origin: germline.
Comment: The p.E313K variant (also known as c.937G>A), located in coding exon 3 of the ALPK2 gene, results from a G to A substitution at nucleotide position 937. The glutamic acid at codon 313 is replaced by lysine, an amino acid with similar properties. This amino acid position is conserved. In addition, the in silico prediction for this alteration is inconclusive. Since supporting evidence is limited at this time, the clinical significance of this alteration remains unclear.

NM_052947.4(ALPK2):c.937G>A (p.Glu313Lys)

Genes: ALPK2 (alpha kinase 2; minus strand), LOC114803473 (ALPK2 eExon liver enhancer; plus strand). Cytogenetic location: 18q21.31.
Variant type: single nucleotide variant.
Coding change: c.937G>A on transcript NM_052947.4 (MANE Select); coding-DNA position 937, G replaced by A.
Protein change: p.Glu313Lys; replaces glutamic acid 313 with lysine.
Molecular consequence: missense variant.
Genome position (GRCh38, 1-based): chr18:58,579,839, C>T on the plus strand (G>A on the coding strand, the complement: ALPK2 is on the minus strand). VCF-style: chr18-58579839-C-T. GRCh37 (hg19) VCF-style: chr18-56247071-C-T.
Other names: short protein forms E313K.
Identifiers: ClinVar variation 1766740 (VCV001766740.2), dbSNP rs2518899666, ClinGen allele CA402566689.
Genomic context (GRCh38, chr18:58,579,839, plus strand): 5'-AACATTCCAGATACTCCAGGTCATCATCTGAAAACTCCTCGGTGTAGGTTAGGGTTATCT[C>T]TGGGCAAAGTTCATAGTCACTGTCAGAGTCTTCACTGGAAAGCTGTGGGCTGGGTTGTTT-3'
Protein context (NP_443179.3, residues 303-323): DSDSDYELCP[Glu313Lys]ITLTYTEEFS